The following is an entry in ClinVar:

ClinVar aggregate classification (germline): Pathogenic/Likely pathogenic. Review status: criteria provided, multiple submitters, no conflicts (2 of 4 stars). 4 submissions from 4 submitters: Pathogenic (2); Likely pathogenic (1). 1 of the submissions does not count toward it. Last evaluated 2023-10-21.

Conditions:
Polycystic kidney disease 4 (PKD4). Also called: POLYCYSTIC KIDNEY AND HEPATIC DISEASE 1; POLYCYSTIC KIDNEY DISEASE, INFANTILE, TYPE I; PKD3; Autosomal Recessive Polycystic Kidney Disease – PKHD1; POLYCYSTIC KIDNEY DISEASE 4 WITH OR WITHOUT POLYCYSTIC LIVER DISEASE. Identifiers: MedGen C4540575, MONDO:0033004, OMIM 263200.
Autosomal recessive polycystic kidney disease (ARPKD). Also called: AR polycystic kidney disease. Identifiers: Orphanet 731, Orphanet 8378, MedGen C0085548, MeSH D017044, MONDO:0009889.

Submissions (4):

Baylor Genetics
Classification: Pathogenic for Polycystic kidney disease 4. Last evaluated: 2023-10-21. Review status: criteria provided, single submitter. Criteria: ACMG Guidelines, 2015. Collection method: clinical testing. Allele origin: unknown.

Labcorp Genetics (formerly Invitae), Labcorp
Classification: Likely pathogenic for Autosomal recessive polycystic kidney disease. Last evaluated: 2023-10-17. Review status: criteria provided, single submitter. Criteria: Invitae Variant Classification Sherloc (09022015). Collection method: clinical testing. Allele origin: germline.
Comment: This sequence change affects a donor splice site in intron 8 of the PKHD1 gene. It is expected to disrupt RNA splicing. Variants that disrupt the donor or acceptor splice site typically lead to a loss of protein function (PMID: 16199547), and loss-of-function variants in PKHD1 are known to be pathogenic (PMID: 19940839). This variant is not present in population databases (gnomAD no frequency). This variant has not been reported in the literature in individuals affected with PKHD1-related conditions. ClinVar contains an entry for this variant (Variation ID: 497635). Algorithms developed to predict the effect of sequence changes on RNA splicing suggest that this variant may disrupt the consensus splice site. In summary, the currently available evidence indicates that the variant is pathogenic, but additional data are needed to prove that conclusively. Therefore, this variant has been classified as Likely Pathogenic.

Eurofins Ntd Llc (ga)
Classification: Pathogenic. Last evaluated: 2016-09-27. Review status: criteria provided, single submitter. Criteria: EGL Classification Definitions 2015. Collection method: clinical testing. Allele origin: germline. Observed: 1 variant allele, 1 heterozygote.

Natera, Inc.
Classification: Likely pathogenic for Autosomal recessive polycystic kidney disease. Last evaluated: 2017-08-31. Review status: no assertion criteria provided. Collection method: clinical testing. Allele origin: germline. Not counted in ClinVar's aggregate classification.

Literature cited by the submitters: PubMed 16199547 (cited by Labcorp Genetics (formerly Invitae), Labcorp); PubMed 19940839 (cited by Labcorp Genetics (formerly Invitae), Labcorp).

NM_138694.4(PKHD1):c.602+1G>A

Gene: PKHD1 (PKHD1 ciliary IPT domain containing fibrocystin/polyductin; minus strand). Cytogenetic location: 6p12.2.
Variant type: single nucleotide variant.
Coding change: c.602+1G>A on transcript NM_138694.4 (MANE Select); the canonical splice donor site of the intron after coding-DNA position 602, G replaced by A.
Molecular consequence: splice donor variant.
Genome position (GRCh38, 1-based): chr6:52,072,114, C>T on the plus strand (G>A on the coding strand, the complement: PKHD1 is on the minus strand). VCF-style: chr6-52072114-C-T. GRCh37 (hg19) VCF-style: chr6-51936912-C-T.
Other names: c.602+1G>A (NM_170724.3).
Identifiers: ClinVar variation 497635 (VCV000497635.16), dbSNP rs1554223950, ClinGen allele CA364434554.